The following is an entry in ClinVar:

NM_001204375.2(NPR3):c.712G>C (p.Glu238Gln)

Genes: NPR3 (natriuretic peptide receptor 3; plus strand), LOC123493284 (Sharpr-MPRA regulatory region 158; plus strand). Cytogenetic location: 5p13.3.
Variant type: single nucleotide variant.
Coding change: c.712G>C on transcript NM_001204375.2 (MANE Select); coding-DNA position 712, G replaced by C.
Protein change: p.Glu238Gln; replaces glutamic acid 238 with glutamine.
Molecular consequence: missense variant. On other transcripts: intron variant (4).
Genome position (GRCh38, 1-based): chr5:32,712,488, G>C. VCF-style: chr5-32712488-G-C. GRCh37 (hg19) VCF-style: chr5-32712594-G-C.
Other names: c.712G>C, p.Glu238Gln (NM_000908.4); c.50-12210G>C (NM_001364458.2); c.121+1705G>C (NM_001363652.2, NM_001204376.2, NM_001364460.2); short protein forms E238Q.
Identifiers: ClinVar variation 1496287 (VCV001496287.6), dbSNP rs767430720, ClinGen allele CA3222409.

ClinVar aggregate classification (germline): Uncertain significance (1 of 4 stars; one submission).

Allele frequency attached by ClinVar (database versions not stated): TOPMed below 0.00001; gnomAD 0.00001.
gnomAD v4.1: 23 of 1,570,694 alleles (0.0015%); highest among the groups gnomAD compares: South Asian, 0.027%; no homozygotes.

Submission:

Labcorp Genetics (formerly Invitae), Labcorp
Classification: Uncertain significance. Last evaluated: 2021-09-09. Review status: criteria provided, single submitter. Criteria: Invitae Variant Classification Sherloc (09022015). Collection method: clinical testing. Allele origin: germline.
Comment: This sequence change replaces glutamic acid with glutamine at codon 238 of the NPR3 protein (p.Glu238Gln). The glutamic acid residue is highly conserved and there is a small physicochemical difference between glutamic acid and glutamine. This variant is present in population databases (rs767430720, ExAC 0.04%). This variant has not been reported in the literature in individuals affected with NPR3-related conditions. Algorithms developed to predict the effect of missense changes on protein structure and function are either unavailable or do not agree on the potential impact of this missense change (SIFT: "Deleterious"; PolyPhen-2: "Benign"; Align-GVGD: "Class C0"). In summary, the available evidence is currently insufficient to determine the role of this variant in disease. Therefore, it has been classified as a Variant of Uncertain Significance.